The following is an entry in ClinVar:

ClinVar aggregate classification (germline): Uncertain significance. Review status: criteria provided, multiple submitters, no conflicts (2 of 4 stars). 2 submissions from 2 submitters: Uncertain significance (2). Last evaluated 2025-11-03.

Conditions:
Charcot-Marie-Tooth disease type 2. Also called: Charcot-Marie-Tooth type 2. Identifiers: Orphanet 64746, MedGen C0270914, MONDO:0018993.

Allele frequency attached by ClinVar (database versions not stated): TOPMed 0.00001; gnomAD 0.00001.
gnomAD v4.1: 7 of 1,612,848 alleles (0.00043%); highest among the groups gnomAD compares: Non-Finnish European, 0.00051%; no homozygotes.

Submissions (2):

Labcorp Genetics (formerly Invitae), Labcorp
Classification: Uncertain significance for Charcot-Marie-Tooth disease type 2. Last evaluated: 2025-11-03. Review status: criteria provided, single submitter. Criteria: Invitae Variant Classification Sherloc (09022015). Collection method: clinical testing. Allele origin: germline.
Comment: This sequence change replaces valine, which is neutral and non-polar, with methionine, which is neutral and non-polar, at codon 549 of the KIF1B protein (p.Val549Met). This variant is present in population databases (no rsID available, gnomAD no frequency). This variant has not been reported in the literature in individuals affected with KIF1B-related conditions. ClinVar contains an entry for this variant (Variation ID: 1777143). Invitae Evidence Modeling of protein sequence and biophysical properties (such as structural, functional, and spatial information, amino acid conservation, physicochemical variation, residue mobility, and thermodynamic stability) indicates that this missense variant is expected to disrupt KIF1B protein function with a positive predictive value of 80%. In summary, the available evidence is currently insufficient to determine the role of this variant in disease. Therefore, it has been classified as a Variant of Uncertain Significance.

Ambry Genetics
Classification: Uncertain significance. Last evaluated: 2025-05-05. Review status: criteria provided, single submitter. Criteria: Ambry Variant Classification Scheme 2023. Collection method: clinical testing. Allele origin: germline.
Comment: The p.V549M variant (also known as c.1645G>A), located in coding exon 17 of the KIF1B gene, results from a G to A substitution at nucleotide position 1645. The valine at codon 549 is replaced by methionine, an amino acid with highly similar properties. This amino acid position is highly conserved in available vertebrate species. In addition, this alteration is predicted to be deleterious by in silico analysis. Since supporting evidence is limited at this time, the clinical significance of this alteration remains unclear.

NM_001365951.3(KIF1B):c.1783G>A (p.Val595Met)

Gene: KIF1B (kinesin family member 1B; plus strand). Cytogenetic location: 1p36.22.
Variant type: single nucleotide variant.
Coding change: c.1783G>A on transcript NM_001365951.3 (MANE Select); coding-DNA position 1783, G replaced by A.
Protein change: p.Val595Met; replaces valine 595 with methionine.
Molecular consequence: missense variant.
Genome position (GRCh38, 1-based): chr1:10,296,587, G>A. VCF-style: chr1-10296587-G-A. GRCh37 (hg19) VCF-style: chr1-10356645-G-A.
Other names: c.1783G>A, p.Val595Met (NM_001365952.1); c.1645G>A, p.Val549Met (NM_001365953.1, NM_015074.3, NM_183416.4); short protein forms V549M, V595M.
Identifiers: ClinVar variation 1777143 (VCV001777143.9), dbSNP rs1031435652, ClinGen allele CA17813566.